The following is an entry in ClinVar:

ClinVar aggregate classification (germline): Likely benign (0 of 4 stars; one submission).

Conditions:
SOX6-related disorder. Also called: SOX6-related condition.

Allele frequency attached by ClinVar (database versions not stated): gnomAD exomes 0.00007; gnomAD 0.00014; TOPMed 0.00018; ExAC 0.00021; 1000 Genomes Project 30x 0.00062; 1000 Genomes Project 0.00080.
gnomAD v4.1: 132 of 1,613,764 alleles (0.0082%); highest among the groups gnomAD compares: East Asian, 0.23%; no homozygotes.

Submission:

PreventionGenetics, part of Exact Sciences
Classification: Likely benign for SOX6-related condition. Last evaluated: 2019-08-09. Review status: no assertion criteria provided. Collection method: clinical testing. Allele origin: germline.
Comment: This variant is classified as likely benign based on ACMG/AMP sequence variant interpretation guidelines (Richards et al. 2015 PMID: 25741868, with internal and published modifications).

NM_001367873.1(SOX6):c.663G>A (p.Glu221=)

Gene: SOX6 (SRY-box transcription factor 6; minus strand). Cytogenetic location: 11p15.2.
Variant type: single nucleotide variant.
Coding change: c.663G>A on transcript NM_001367873.1 (MANE Select); coding-DNA position 663, G replaced by A.
Protein change: p.Glu221=; no amino-acid change (glutamic acid 221 retained).
Molecular consequence: synonymous variant.
Genome position (GRCh38, 1-based): chr11:16,186,828, C>T on the plus strand (G>A on the coding strand, the complement: SOX6 is on the minus strand). VCF-style: chr11-16186828-C-T. GRCh37 (hg19) VCF-style: chr11-16208374-C-T.
Other names: c.663G>A, p.Glu221= (NM_001145811.2, NM_001145819.2, NM_001367872.1 and 2 more transcripts).
Identifiers: ClinVar variation 3034555 (VCV003034555.2), dbSNP rs141152204, ClinGen allele CA5898373.